The following is an entry in ClinVar:

NM_014991.6(WDFY3):c.3277T>G (p.Phe1093Val)

Gene: WDFY3 (WD repeat and FYVE domain containing 3; minus strand). Cytogenetic location: 4q21.23.
Variant type: single nucleotide variant.
Coding change: c.3277T>G on transcript NM_014991.6 (MANE Select); coding-DNA position 3277, T replaced by G.
Protein change: p.Phe1093Val; replaces phenylalanine 1093 with valine.
Molecular consequence: missense variant.
Genome position (GRCh38, 1-based): chr4:84,794,729, A>C on the plus strand (T>G on the coding strand, the complement: WDFY3 is on the minus strand). VCF-style: chr4-84794729-A-C. GRCh37 (hg19) VCF-style: chr4-85715882-A-C.
Other names: short protein forms F1093V.
Identifiers: ClinVar variation 4529622 (VCV004529622.1).

ClinVar aggregate classification (germline): Uncertain significance (1 of 4 stars; one submission).

gnomAD v4.1: 3 of 1,611,688 alleles (0.00019%); highest among the groups gnomAD compares: Non-Finnish European, 0.00025%; no homozygotes.

Submission:

GeneDx
Classification: Uncertain significance. Last evaluated: 2025-05-15. Review status: criteria provided, single submitter. Criteria: GeneDx Variant Classification Process June 2021. Collection method: clinical testing. Allele origin: germline. Affected: yes.
Comment: Not observed at significant frequency in large population cohorts (gnomAD); In silico analysis suggests that this missense variant does not alter protein structure/function; Has not been previously published as pathogenic or benign to our knowledge